The following is an entry in ClinVar:

NM_000043.6(FAS):c.526T>C (p.Trp176Arg)

Gene: FAS (Fas cell surface death receptor; plus strand). Cytogenetic location: 10q23.31.
Variant type: single nucleotide variant.
Coding change: c.526T>C on transcript NM_000043.6 (MANE Select); coding-DNA position 526, T replaced by C.
Protein change: p.Trp176Arg; replaces tryptophan 176 with arginine.
Molecular consequence: missense variant. On other transcripts: non-coding transcript variant (5), intron variant (1).
Genome position (GRCh38, 1-based): chr10:89,010,773, T>C. VCF-style: chr10-89010773-T-C. GRCh37 (hg19) VCF-style: chr10-90770530-T-C.
Other names: c.526T>C, p.Trp176Arg (NM_001320619.2, NM_152872.4); c.571T>C, p.Trp191Arg (NM_001410956.1); c.505+173T>C (NM_152871.4); short protein forms W176R, W191R.
Identifiers: ClinVar variation 2580985 (VCV002580985.1), dbSNP rs2495161094, ClinGen allele CA377509102.

ClinVar aggregate classification (germline): Uncertain significance (1 of 4 stars; one submission).

Conditions:
Autoimmune lymphoproliferative syndrome type 1. Also called: AUTOIMMUNE LYMPHOPROLIFERATIVE SYNDROME, TYPE I, AUTOSOMAL DOMINANT. Identifiers: Orphanet 3261, MedGen C2717884, MONDO:0011158, OMIM 601859.

Submission:

Dr. med. U. Finckh, Human Genetics, Eurofins MVZ
Classification: Uncertain significance for Autoimmune lymphoproliferative syndrome type 1. Last evaluated: 2020-10-03. Review status: criteria provided, single submitter. Criteria: ACMG Guidelines, 2015. Collection method: clinical testing. Allele origin: unknown.